The following is an entry in ClinVar:

NM_003172.4(SURF1):c.321C>T (p.Ala107=)

Gene: SURF1 (SURF1 cytochrome c oxidase assembly factor; minus strand). Cytogenetic location: 9q34.2.
Variant type: single nucleotide variant.
Coding change: c.321C>T on transcript NM_003172.4 (MANE Select); coding-DNA position 321, C replaced by T.
Protein change: p.Ala107=; no amino-acid change (alanine 107 retained).
Molecular consequence: synonymous variant. On other transcripts: 5 prime UTR variant (1).
Genome position (GRCh38, 1-based): chr9:133,354,661, G>A on the plus strand (C>T on the coding strand, the complement: SURF1 is on the minus strand). VCF-style: chr9-133354661-G-A. GRCh37 (hg19) VCF-style: chr9-136221516-G-A.
Other names: c.-7C>T (NM_001280787.1).
Identifiers: ClinVar variation 704468 (VCV000704468.19), dbSNP rs141425824, ClinGen allele CA200833334.

ClinVar aggregate classification (germline): Conflicting classifications of pathogenicity. Review status: criteria provided, conflicting classifications (1 of 4 stars). 4 submissions from 4 submitters: Uncertain significance (2); Likely benign (2). Last evaluated 2026-02-25.

Conditions:
Leigh syndrome (NULS). Also called: Leigh's syndrome; LEIGH SYNDROME, NUCLEAR; Leigh Disease; Leigh's necrotizing encephalopathy; Leigh's disease; Leigh Syndrome (mtDNA deletion). Identifiers: Orphanet 506, MedGen C2931891, MONDO:0009723, OMIM 256000.

Allele frequency attached by ClinVar (database versions not stated): ExAC 0.00006; gnomAD exomes 0.00007; ESP Exome Variant Server 0.00008; TOPMed 0.00010; 1000 Genomes Project 0.00040.
gnomAD v4.1: 268 of 1,610,838 alleles (0.017%); highest among the groups gnomAD compares: Non-Finnish European, 0.022%; no homozygotes.

Submissions (7):

Women's Health and Genetics/Laboratory Corporation of America, LabCorp
Classification: Uncertain significance. Last evaluated: 2026-02-25. Review status: criteria provided, single submitter. Criteria: LabCorp Variant Classification Summary - May 2015. Collection method: clinical testing. Allele origin: germline.
Comment: Variant summary: SURF1 c.321C>T (p.Ala107Ala) alters a non-conserved nucleotide located close to a canonical splice site and therefore could affect mRNA splicing, leading to a significantly altered protein sequence. Consensus agreement among computation tools predict no significant impact on normal splicing. However, these predictions have yet to be confirmed by functional studies. The variant allele was found at a frequency of 7.2e-05 in 251130 control chromosomes. This frequency is not significantly higher than estimated for disease-causing variants in SURF1, allowing no conclusion about variant significance. To our knowledge, no occurrence of c.321C>T in individuals affected with SURF1-related conditions and no experimental evidence demonstrating its impact on protein function have been reported. ClinVar contains an entry for this variant (Variation ID: 704468). Based on the evidence outlined above, the variant was classified as uncertain significance.

Labcorp Genetics (formerly Invitae), Labcorp
Classification: Likely benign for Leigh syndrome. Last evaluated: 2025-11-21. Review status: criteria provided, single submitter. Criteria: Invitae Variant Classification Sherloc (09022015). Collection method: clinical testing. Allele origin: germline.

GeneDx
Classification: Likely benign. Last evaluated: 2020-07-16. Review status: criteria provided, single submitter. Criteria: GeneDx Variant Classification Process June 2021. Collection method: clinical testing. Allele origin: germline. Affected: yes.

Illumina Laboratory Services, Illumina
Classification: Uncertain significance for Leigh syndrome. Last evaluated: 2017-04-27. Review status: criteria provided, single submitter. Criteria: ICSL Variant Classification Criteria 13 December 2019. Collection method: clinical testing. Allele origin: germline.

Dr. Peter K. Rogan Lab, Western University
No classification provided (evidence only). Condition: Thyroid cancer, nonmedullary, 1. Review status: no classification provided. Collection method: in vitro. Allele origin: not applicable. Functional consequence: retained intron. Not counted in ClinVar's aggregate classification.

Dr. Peter K. Rogan Lab, Western University
No classification provided (evidence only). Condition: Thyroid cancer, nonmedullary, 1. Review status: no classification provided. Collection method: in vitro. Allele origin: not applicable. Functional consequence: retained intron. Not counted in ClinVar's aggregate classification.

Dr. Peter K. Rogan Lab, Western University
No classification provided (evidence only). Condition: Ovarian serous cystadenocarcinoma. Review status: no classification provided. Collection method: in vitro. Allele origin: not applicable. Functional consequence: retained intron. Not counted in ClinVar's aggregate classification.